The following is an entry in ClinVar:

NM_004364.5(CEBPA):c.928_945dup (p.Leu315_Glu316insThrGlnGlnLysValLeu)

Gene: CEBPA (CCAAT enhancer binding protein alpha; minus strand). Cytogenetic location: 19q13.11.
Variant type: Duplication.
Coding change: c.928_945dup on transcript NM_004364.5 (MANE Select); coding-DNA positions 928 to 945, 18 bases duplicated (ACGCAGCAGAAGGTGCTG).
Protein change: p.Leu315_Glu316insThrGlnGlnLysValLeu.
Molecular consequence: inframe insertion.
Genome position (GRCh38, 1-based): chr19:33,301,470-33,301,487, CAGCACCTTCTGCTGCGT duplicated on the plus strand (ACGCAGCAGAAGGTGCTG on the coding strand, the reverse complement: CEBPA is on the minus strand); duplicating any 18 consecutive bases within chr19:33,301,470-33,301,488 gives the same sequence; the c. name uses the placement nearest the transcript's 3' end. VCF-style (leftmost placement, unchanged base first): chr19-33301469-C-CCAGCACCTTCTGCTGCGT. GRCh37 (hg19) VCF-style: chr19-33792375-C-CCAGCACCTTCTGCTGCGT.
Other names: c.1033_1050dup, p.Leu350_Glu351insThrGlnGlnLysValLeu (NM_001287424.2); c.886_903dup, p.Leu301_Glu302insThrGlnGlnLysValLeu (NM_001287435.2); c.571_588dup, p.Leu196_Glu197insThrGlnGlnLysValLeu (NM_001285829.2).
Identifiers: ClinVar variation 1698873 (VCV001698873.2), dbSNP rs2145258824, ClinGen allele CA1139532438.
Genomic context (GRCh38, chr19:33,301,469, plus strand): 5'-CCAGTTCGCGGCTCAGCTGTTCCACCCGCTTGCGCAGGCGGTCATTGTCACTGGTCAGCT[C>CCAGCACCTTCTGCTGCGT]CAGCACCTTCTGCTGCGTCTCCACGTTGCGCTGCTTGGCCTTGTCGCGGCTCTTGCGCAC-3'

ClinVar aggregate classification (germline): Likely pathogenic (1 of 4 stars; one submission).

Conditions:
Acute myeloid leukemia (AML). Also called: Leukemia, acute myeloid, somatic; Leukemia, acute myelogenous, somatic; Acute myeloid leukemia, adult; AML adult; Acute non-lymphocytic leukemia; Acute granulocytic leukemia. Identifiers: Orphanet 519, MedGen C0023467, MeSH D015470, MONDO:0018874, OMIM 601626, HP:0004808. Disease mechanism: Constitutively activated FLT3.

Submission:

Genetics and Molecular Pathology, SA Pathology
Classification: Likely pathogenic for Acute myeloid leukemia. Last evaluated: 2020-09-16. Review status: criteria provided, single submitter. Criteria: ACMG Guidelines, 2015. Collection method: clinical testing. Allele origin: germline. Affected: yes.
Comment: The CEBPA c.928_945dupACGCAGCAGAAGGTGCTG variant is classified as Likely Pathogenic (PM1, PM2, PM4)